The following is an entry in ClinVar:

NM_018699.4(PRDM5):c.681A>G (p.Leu227=)

Gene: PRDM5 (PR/SET domain 5; minus strand). Cytogenetic location: 4q27.
Variant type: single nucleotide variant.
Coding change: c.681A>G on transcript NM_018699.4 (MANE Select); coding-DNA position 681, A replaced by G.
Protein change: p.Leu227=; no amino-acid change (leucine 227 retained).
Molecular consequence: synonymous variant. On other transcripts: intron variant (3).
Genome position (GRCh38, 1-based): chr4:120,816,894, T>C on the plus strand (A>G on the coding strand, the complement: PRDM5 is on the minus strand). VCF-style: chr4-120816894-T-C. GRCh37 (hg19) VCF-style: chr4-121738049-T-C.
Other names: p.Leu227=; c.681A>G (NM_018699.3); c.681A>G, p.Leu227= (NM_001379104.1); c.651-320A>G (NM_001300824.2, NM_001379106.1, NM_001300823.2).
Identifiers: ClinVar variation 347444 (VCV000347444.17), dbSNP rs343192, ClinGen allele CA3061323.
Genomic context (GRCh38, chr4:120,816,894, plus strand): 5'-CGATGCTGAACTGAAGGAAGAATTGCAAACAGAGCACTGAAAACTTCGCGAAGACTCCTT[T>C]AGACTGCTTTTCGCTGTGCACTGAAGAACACTAAAGGGAAATAGGAAAAAGAGAAAGAAA-3'
Protein context (NP_061169.2, residues 217-237): HVLQCTAKSS[Leu227=]KESSRSFQCS

ClinVar aggregate classification (germline): Benign. Review status: criteria provided, multiple submitters, no conflicts (2 of 4 stars). 6 submissions from 6 submitters: Benign (6). Last evaluated 2026-02-04.

Conditions:
Cardiovascular phenotype. Identifiers: MedGen CN230736.

Allele frequency attached by ClinVar (database versions not stated): 1000 Genomes Project 30x 0.27061; 1000 Genomes Project 0.27496; ESP Exome Variant Server 0.28125; gnomAD 0.28658 and 0.28756; ExAC 0.29117; TOPMed 0.29607; gnomAD exomes 0.29922 and 0.30791.
gnomAD v4.1: 493,748 of 1,611,724 alleles (31%); highest among the groups gnomAD compares: East Asian, 39%; 77,497 homozygotes.

Submissions (6):

Labcorp Genetics (formerly Invitae), Labcorp
Classification: Benign. Last evaluated: 2026-02-04. Review status: criteria provided, single submitter. Criteria: Invitae Variant Classification Sherloc (09022015). Collection method: clinical testing. Allele origin: germline.

Women's Health and Genetics/Laboratory Corporation of America, LabCorp
Classification: Benign. Last evaluated: 2026-01-21. Review status: criteria provided, single submitter. Criteria: LabCorp Variant Classification Summary - May 2015. Collection method: clinical testing. Allele origin: germline.

Mayo Clinic Laboratories, Mayo Clinic
Classification: Benign. Last evaluated: 2022-04-26. Review status: criteria provided, single submitter. Criteria: ACMG Guidelines, 2015. Collection method: clinical testing. Allele origin: germline. Observed: 1,615 variant alleles.

Ambry Genetics
Classification: Benign for Cardiovascular phenotype. Last evaluated: 2018-12-04. Review status: criteria provided, single submitter. Criteria: Ambry Variant Classification Scheme 2023. Collection method: clinical testing. Allele origin: germline.

GeneDx
Classification: Benign. Last evaluated: 2016-09-29. Review status: criteria provided, single submitter. Criteria: GeneDx Variant Classification (06012015). Collection method: clinical testing. Allele origin: germline. Affected: yes.
Comment: This variant is considered likely benign or benign based on one or more of the following criteria: it is a conservative change, it occurs at a poorly conserved position in the protein, it is predicted to be benign by multiple in silico algorithms, and/or has population frequency not consistent with disease.

Breakthrough Genomics
Classification: Benign. Review status: criteria provided, single submitter. Criteria: ACMG Guidelines, 2015. Collection method: not provided. Allele origin: germline. Inheritance: Autosomal recessive inheritance. Affected: yes.